The following is an entry in ClinVar:

NM_007294.4(BRCA1):c.5256A>T (p.Ala1752=)

Gene: BRCA1 (BRCA1 DNA repair associated; minus strand). Cytogenetic location: 17q21.31.
Variant type: single nucleotide variant.
Coding change: c.5256A>T on transcript NM_007294.4 (MANE Select); coding-DNA position 5256, A replaced by T.
Protein change: p.Ala1752=; no amino-acid change (alanine 1752 retained).
Molecular consequence: synonymous variant.
Genome position (GRCh38, 1-based): chr17:43,057,073, T>A on the plus strand (A>T on the coding strand, the complement: BRCA1 is on the minus strand). VCF-style: chr17-43057073-T-A. GRCh37 (hg19) VCF-style: chr17-41209090-T-A.
Other names: c.1803A>T, p.Ala601= (NM_001408459.1, NM_001408460.1, NM_001408461.1 and 7 more transcripts); c.1800A>T, p.Ala600= (NM_001408468.1, NM_001408469.1, NM_001408470.1); c.1944A>T, p.Ala648= (NM_001408472.1, NM_007298.4, NM_007299.4 and 13 more transcripts); c.1941A>T, p.Ala647= (NM_001408473.1, NM_001408392.1, NM_001408396.1 and 8 more transcripts); c.1746A>T, p.Ala582= (NM_001408474.1); c.1743A>T, p.Ala581= (NM_001408475.1, NM_001408476.1); c.1737A>T, p.Ala579= (NM_001408478.1, NM_001408479.1, NM_001408480.1); c.1734A>T, p.Ala578= (NM_001408481.1, NM_001408482.1, NM_001408483.1 and 5 more transcripts); and 72 more.
Identifiers: ClinVar variation 868232 (VCV000868232.3), dbSNP rs80356844, ClinGen allele CA500144582.

Conditions:
Breast-ovarian cancer, familial, susceptibility to, 1 (BROVCA1). Also called: BRCA1 Hereditary Breast and Ovarian Cancer; OVARIAN CANCER, SUSCEPTIBILITY TO. Identifiers: Orphanet 145, MedGen C2676676, MONDO:0011450, OMIM 604370. Disease mechanism: loss of function.

Submission:

Brotman Baty Institute, University of Washington
No classification provided (evidence only). Condition: Breast-ovarian cancer, familial 1. Review status: no classification provided. Collection method: in vitro. Allele origin: not applicable. Functional consequence: functionally_normal.
ClinVar note: "not provided" was previously submitted as the classification for the variant. However, the classification appeared to be based only on an observation of functional data so it was converted to no classification on 2025-07-30.